The following is an entry in ClinVar:

ClinVar aggregate classification (germline): Uncertain significance. Review status: criteria provided, multiple submitters, no conflicts (2 of 4 stars). 2 submissions from 2 submitters: Uncertain significance (2). Last evaluated 2020-10-10.

Conditions:
Hypertrophic cardiomyopathy 10. Also called: CARDIOMYOPATHY, HYPERTROPHIC, MID-LEFT VENTRICULAR CHAMBER TYPE, 2; MYL2-Related Familial Hypertrophic Cardiomyopathy. Identifiers: MedGen C1834460, MONDO:0012112, OMIM 608758.

Submissions (2):

Labcorp Genetics (formerly Invitae), Labcorp
Classification: Uncertain significance for Hypertrophic cardiomyopathy 10. Last evaluated: 2020-10-10. Review status: criteria provided, single submitter. Criteria: Invitae Variant Classification Sherloc (09022015). Collection method: clinical testing. Allele origin: germline.
Comment: This variant has not been reported in the literature in individuals with MYL2-related conditions. Algorithms developed to predict the effect of missense changes on protein structure and function are either unavailable or do not agree on the potential impact of this missense change (SIFT: "Tolerated"; PolyPhen-2: "Possibly Damaging"; Align-GVGD: "Class C0"). In summary, the available evidence is currently insufficient to determine the role of this variant in disease. Therefore, it has been classified as a Variant of Uncertain Significance. This variant is not present in population databases (ExAC no frequency). This sequence change replaces aspartic acid with asparagine at codon 166 of the MYL2 protein (p.Asp166Asn). The aspartic acid residue is moderately conserved and there is a small physicochemical difference between aspartic acid and asparagine.

GeneDx
Classification: Uncertain significance. Last evaluated: 2019-02-11. Review status: criteria provided, single submitter. Criteria: GeneDx Variant Classification Process June 2021. Collection method: clinical testing. Allele origin: germline. Affected: yes.
Comment: Not observed in large population cohorts (Lek et al., 2016); In silico analysis, which includes protein predictors and evolutionary conservation, supports a deleterious effect; Has not been previously published as pathogenic or benign to our knowledge

NM_000432.4(MYL2):c.496G>A (p.Asp166Asn)

Gene: MYL2 (myosin light chain 2; minus strand). Cytogenetic location: 12q24.11.
Variant type: single nucleotide variant.
Coding change: c.496G>A on transcript NM_000432.4 (MANE Select); coding-DNA position 496, G replaced by A.
Protein change: p.Asp166Asn; replaces aspartic acid 166 with asparagine.
Molecular consequence: missense variant.
Genome position (GRCh38, 1-based): chr12:110,911,082, C>T on the plus strand (G>A on the coding strand, the complement: MYL2 is on the minus strand). VCF-style: chr12-110911082-C-T. GRCh37 (hg19) VCF-style: chr12-111348886-C-T.
Other names: short protein forms D166N.
Identifiers: ClinVar variation 1023822 (VCV001023822.10), dbSNP rs730880952, ClinGen allele CA386696690.